The following is an entry in ClinVar:

ClinVar aggregate classification (germline): Likely benign (0 of 4 stars; one submission).

Conditions:
PLXNA4-related disorder. Also called: PLXNA4-related condition.

Allele frequency attached by ClinVar (database versions not stated): ExAC 0.00042; 1000 Genomes Project 30x 0.00062; ESP Exome Variant Server 0.00069; 1000 Genomes Project 0.00080; gnomAD 0.00119; TOPMed 0.00133.
gnomAD v4.1: 416 of 1,614,078 alleles (0.026%); highest among the groups gnomAD compares: African/African-American, 0.41%; 2 homozygotes.

Submission:

PreventionGenetics, part of Exact Sciences
Classification: Likely benign for PLXNA4-related condition. Last evaluated: 2021-05-28. Review status: no assertion criteria provided. Collection method: clinical testing. Allele origin: germline.
Comment: This variant is classified as likely benign based on ACMG/AMP sequence variant interpretation guidelines (Richards et al. 2015 PMID: 25741868, with internal and published modifications).

NM_020911.2(PLXNA4):c.5304C>T (p.Asp1768=)

Gene: PLXNA4 (plexin A4; minus strand). Cytogenetic location: 7q32.3.
Variant type: single nucleotide variant.
Coding change: c.5304C>T on transcript NM_020911.2 (MANE Select); coding-DNA position 5304, C replaced by T.
Protein change: p.Asp1768=; no amino-acid change (aspartic acid 1768 retained).
Molecular consequence: synonymous variant.
Genome position (GRCh38, 1-based): chr7:132,140,733, G>A on the plus strand (C>T on the coding strand, the complement: PLXNA4 is on the minus strand). VCF-style: chr7-132140733-G-A. GRCh37 (hg19) VCF-style: chr7-131825492-G-A.
Other names: c.5304C>T, p.Asp1768= (NM_001393897.1).
Identifiers: ClinVar variation 3048442 (VCV003048442.2), dbSNP rs374483138, ClinGen allele CA4488944.